The following is an entry in ClinVar:

ClinVar aggregate classification (germline): Pathogenic/Likely pathogenic. Review status: criteria provided, multiple submitters, no conflicts (2 of 4 stars). 3 submissions from 3 submitters: Pathogenic (1); Likely pathogenic (2). Last evaluated 2025-09-11.

Conditions:
Hereditary cancer-predisposing syndrome. Also called: Hereditary Cancer Syndrome; Neoplastic Syndromes, Hereditary; Hereditary neoplastic syndrome; Tumor predisposition. Identifiers: Orphanet 140162, MedGen C0027672, MeSH D009386, MONDO:0015356.
Cardiovascular phenotype. Identifiers: MedGen CN230736.
Neurofibromatosis, type 1 (NF1). Also called: Peripheral type neurofibromatosis; Neurofibromatosis, type I; NEUROFIBROMATOSIS, TYPE I, SOMATIC; VON RECKLINGHAUSEN DISEASE. Identifiers: Orphanet 636, MedGen C0027831, MONDO:0018975, OMIM 162200. Disease mechanism: loss of function.

Submissions (3):

Ambry Genetics
Classification: Likely pathogenic for Cardiovascular phenotype; Hereditary cancer-predisposing syndrome. Last evaluated: 2025-09-11. Review status: criteria provided, single submitter. Criteria: Ambry Variant Classification Scheme 2023. Collection method: clinical testing. Allele origin: germline.
Comment: The c.1722-26T>C intronic variant results from a T to C substitution 26 nucleotides upstream from coding exon 16 in the NF1 gene. This variant has been reported in individual(s) suspected to have neurofibromatosis type 1 (Wimmer K et al. Hum Mutat, 2020 Jun;41:1145-1156). This nucleotide position is well conserved in available vertebrate species. In silico splice site analysis predicts that this alteration will weaken the native splice acceptor site and may result in the creation or strengthening of a novel splice acceptor site. RNA studies have demonstrated that this alteration results in abnormal splicing in the set of samples tested (Ambry internal data). This variant is considered to be rare based on population cohorts in the Genome Aggregation Database (gnomAD). Based on the majority of available evidence to date, this variant is likely to be pathogenic.

Illumina Laboratory Services, Illumina
Classification: Likely pathogenic for Neurofibromatosis, type 1. Last evaluated: 2023-10-13. Review status: criteria provided, single submitter. Criteria: ICSLVariantClassificationCriteria RUGD 01 April 2020. Collection method: clinical testing. Allele origin: unknown.
Comment: The NF1 c.1722-26T>C variant is an intronic variant located in intron 15 of the NF1 gene that has been experimentally shown to cause aberrant splicing resulting in out-of-frame transcripts expected to undergo nonsense mediated decay due to the use of a cryptic splice acceptor site located 17bp upstream of this variant (Wimmer et al. 2020). This variant has been identified in an individual in a cohort of patients submitted for targeted testing based on suspicion for neurofibromatosis type 1 (Wimmer et al. 2020). This variant is not observed in version 2.1.1 or 3.1.2 of the Genome Aggregation Database. Based on the available evidence, the c.1722-26T>C variant is classified as likely pathogenic for neurofibromatosis type 1.

UAB Medical Genomics Laboratory, UAB Medicine
Classification: Pathogenic for Neurofibromatosis, type 1. Last evaluated: 2020-01-20. Review status: criteria provided, single submitter. Criteria: ACMG Guidelines, 2015. Collection method: clinical testing. Allele origin: germline. Affected: yes.

Literature cited by the submitters: PubMed 32126153 (cited by Ambry Genetics and UAB Medical Genomics Laboratory, UAB Medicine).

NM_001042492.3(NF1):c.1722-26T>C

Gene: NF1 (neurofibromin 1; plus strand). Cytogenetic location: 17q11.2.
Variant type: single nucleotide variant.
Coding change: c.1722-26T>C on transcript NM_001042492.3 (MANE Select); 26 bases into the intron before coding-DNA position 1722, T replaced by C.
Molecular consequence: intron variant.
Genome position (GRCh38, 1-based): chr17:31,223,418, T>C. VCF-style: chr17-31223418-T-C. GRCh37 (hg19) VCF-style: chr17-29550436-T-C.
Other names: c.1722-26T>C (NM_000267.4).
Identifiers: ClinVar variation 816726 (VCV000816726.5), dbSNP rs1597708542, ClinGen allele CA915949728.